The following is an entry in ClinVar:

NM_001267550.2(TTN):c.85860del (p.Glu28620fs)

Genes: TTN (titin; minus strand), TTN-AS1 (TTN antisense RNA 1; plus strand). Cytogenetic location: 2q31.2.
Variant type: Deletion.
Coding change: c.85860del on transcript NM_001267550.2 (MANE Select); coding-DNA position 85860, one base deleted (A; older notation c.85860delA).
Protein change: p.Glu28620fs; shifts the reading frame from glutamic acid 28620.
Molecular consequence: frameshift variant.
Genome position (GRCh38, 1-based): chr2:178,560,272, T deleted on the plus strand (A on the coding strand, the reverse complement: TTN is on the minus strand); the first of 2 consecutive T bases (chr2:178,560,272-178,560,273); deleting either gives the same sequence. VCF-style (leftmost placement, unchanged base first): chr2-178560271-AT-A. GRCh37 (hg19) VCF-style: chr2-179424998-AT-A.
Other names: c.80937del, p.Glu26979fs (NM_001256850.1); c.58665del, p.Glu19555fs (NM_003319.4); c.78156del, p.Glu26052fs (NM_133378.4); c.59040del, p.Glu19680fs (NM_133432.3); c.59241del, p.Glu19747fs (NM_133437.4); c.85860delA (NM_001267550.2); short protein forms E26979fs, E19555fs, E19680fs, E19747fs, E26052fs, E28620fs.
Identifiers: ClinVar variation 648608 (VCV000648608.1), dbSNP rs1575611108, ClinGen allele CA915942195.
Genomic context (GRCh38, chr2:178,560,271, plus strand): 5'-GAGAGGTTTCACTTGGAAGACTTAGGCCAGCAGCATTTTCTGCATAAACACGATATTCAT[AT>A]TCACATCCTTCCCGAAGTCCTGTTGATTTCACTCTTAGATCATAAACTGGTTTTTTGTTT-3'

ClinVar aggregate classification (germline): Likely pathogenic (1 of 4 stars; one submission).

Conditions:
Dilated cardiomyopathy 1G (CMD1G). Identifiers: Orphanet 154, MedGen C1858763, MONDO:0011400, OMIM 604145.
Autosomal recessive limb-girdle muscular dystrophy type 2J (LGMDR10). Also called: Limb-girdle muscular dystrophy, type 2J; MUSCULAR DYSTROPHY, LIMB-GIRDLE, AUTOSOMAL RECESSIVE 10. Identifiers: Orphanet 140922, MedGen C1837342, MONDO:0012127, OMIM 608807.

Submission:

Labcorp Genetics (formerly Invitae), Labcorp
Classification: Likely pathogenic for Dilated cardiomyopathy 1G; Limb-girdle muscular dystrophy, type 2J. Last evaluated: 2018-11-20. Review status: criteria provided, single submitter. Criteria: Invitae Variant Classification Sherloc (09022015). Collection method: clinical testing. Allele origin: germline.
Comment: This sequence change results in a premature translational stop signal in the TTN gene (p.Glu28620Aspfs*14).Â¬â€ While this is not anticipated to result in nonsense mediated decay, it is expected to create a truncated TTN protein. This variant is not present in population databases (ExAC no frequency). This variant has not been reported in the literature in individuals with TTN-related disease. This variant is located in the A band of TTN (PMID: 25589632).Â¬â€ Truncating variants in this region are significantly overrepresented in patients affected with dilated cardiomyopathy (PMID: 25589632).Â¬â€ Truncating variants in this region have also been reported in individuals affected with autosomal recessive centronuclear myopathy (PMID: 23975875). In summary, the currently available evidence indicates that the variant is pathogenic, but additional data are needed to prove that conclusively. Therefore, this variant has been classified as Likely Pathogenic.

Literature cited by the submitters: PubMed 25589632; PubMed 23975875.